The following is an entry in ClinVar:

NM_001375524.1(TRRAP):c.2842G>C (p.Asp948His)

Gene: TRRAP (transformation/transcription domain associated protein; plus strand). Cytogenetic location: 7q22.1.
Variant type: single nucleotide variant.
Coding change: c.2842G>C on transcript NM_001375524.1 (MANE Select); coding-DNA position 2842, G replaced by C.
Protein change: p.Asp948His; replaces aspartic acid 948 with histidine.
Molecular consequence: missense variant.
Genome position (GRCh38, 1-based): chr7:98,925,130, G>C. VCF-style: chr7-98925130-G-C. GRCh37 (hg19) VCF-style: chr7-98522753-G-C.
Other names: c.2842G>C, p.Asp948His (NM_001244580.2, NM_003496.4); short protein forms D948H.
Identifiers: ClinVar variation 1698175 (VCV001698175.2), dbSNP rs1789989428, ClinGen allele CA368294868.

ClinVar aggregate classification (germline): Uncertain significance (1 of 4 stars; one submission).

Submission:

GeneDx
Classification: Uncertain significance. Last evaluated: 2022-01-21. Review status: criteria provided, single submitter. Criteria: GeneDx Variant Classification Process June 2021. Collection method: clinical testing. Allele origin: germline. Affected: yes.
Comment: Not observed at significant frequency in large population cohorts (gnomAD); In silico analysis supports that this missense variant does not alter protein structure/function; Has not been previously published as pathogenic or benign to our knowledge